The following is an entry in ClinVar:

ClinVar aggregate classification (germline): Conflicting classifications of pathogenicity. Review status: criteria provided, conflicting classifications (1 of 4 stars). 11 submissions from 11 submitters: Uncertain significance (8); Likely benign (1). 2 of the submissions do not count toward it. Last evaluated 2026-07-22.

Conditions:
Megacystis-microcolon-intestinal hypoperistalsis syndrome 2. Identifiers: MedGen C5543476, MONDO:0025708, OMIM 619351.
Visceral myopathy 2. Identifiers: MedGen C5543466, MONDO:0859157, OMIM 619350.
Aortic aneurysm, familial thoracic 4 (AAT4). Also called: AORTIC ANEURYSM/AORTIC DISSECTION AND PATENT DUCTUS ARTERIOSUS. Identifiers: MedGen C1851504, MONDO:0007568, OMIM 132900.
Familial thoracic aortic aneurysm and aortic dissection (TAAD). Also called: Thoracic aortic aneurysms and dissections. Identifiers: Orphanet 91387, MedGen C4707243, MONDO:0019625.

Allele frequency attached by ClinVar (database versions not stated): gnomAD exomes 0.00003 and 0.00004; TOPMed 0.00003; ExAC 0.00004; gnomAD 0.00004 and 0.00005; ESP Exome Variant Server 0.00008.
gnomAD v4.1: 57 of 1,614,012 alleles (0.0035%); highest among the groups gnomAD compares: South Asian, 0.011%; no homozygotes.

Submissions (11):

GeneDx
Classification: Uncertain significance. Last evaluated: 2026-07-22. Review status: criteria provided, single submitter. Criteria: GeneDx Variant Classification Process June 2021. Collection method: clinical testing. Allele origin: germline.
Comment: Identified in a patient with thoracic aortic aneurysm and dissection (TAAD) in published literature; however, this individual also harbored a second cardiogenetic variant (PMID: 34498425); In silico analysis suggests that this missense variant does not alter protein structure/function; This variant is associated with the following publications: (PMID: 21529752, 34498425)

Color Diagnostics, LLC DBA Color Health
Classification: Likely benign for Familial thoracic aortic aneurysm and aortic dissection. Last evaluated: 2025-11-10. Review status: criteria provided, single submitter. Criteria: ACMG Guidelines, 2015. Collection method: clinical testing. Allele origin: germline.

Labcorp Genetics (formerly Invitae), Labcorp
Classification: Uncertain significance for Aortic aneurysm, familial thoracic 4. Last evaluated: 2025-10-23. Review status: criteria provided, single submitter. Criteria: Invitae Variant Classification Sherloc (09022015). Collection method: clinical testing. Allele origin: germline.
Comment: This sequence change replaces alanine, which is neutral and non-polar, with valine, which is neutral and non-polar, at codon 1475 of the MYH11 protein (p.Ala1475Val). This variant is present in population databases (rs370240337, gnomAD 0.02%). This missense change has been observed in individual(s) with clinical suspicion of thoracic aortic aneurysms and dissections (PMID: 34498425). This variant is also known as p.Ala1468Val. ClinVar contains an entry for this variant (Variation ID: 201076). An algorithm developed to predict the effect of missense changes on protein structure and function (PolyPhen-2) suggests that this variant is likely to be disruptive. In summary, the available evidence is currently insufficient to determine the role of this variant in disease. Therefore, it has been classified as a Variant of Uncertain Significance.

Ambry Genetics
Classification: Uncertain significance for Familial thoracic aortic aneurysm and aortic dissection. Last evaluated: 2024-12-18. Review status: criteria provided, single submitter. Criteria: Ambry Variant Classification Scheme 2023. Collection method: clinical testing. Allele origin: germline.
Comment: The p.A1468V variant (also known as c.4403C>T), located in coding exon 31 of the MYH11 gene, results from a C to T substitution at nucleotide position 4403. The alanine at codon 1468 is replaced by valine, an amino acid with similar properties. This variant was reported in individual(s) with features consistent with thoracic aortic aneurysm and dissection (Li J, et al. Mol Genet Genomic Med. 2021 Oct;9(10):e1800). This amino acid position is highly conserved in available vertebrate species. In addition, the in silico prediction for this alteration is inconclusive. Based on the available evidence, the clinical significance of this variant remains unclear.

All of Us Research Program, National Institutes of Health
Classification: Uncertain significance for Familial thoracic aortic aneurysm and aortic dissection. Last evaluated: 2024-06-09. Review status: criteria provided, single submitter. Criteria: ACMG Guidelines, 2015. Collection method: clinical testing. Allele origin: germline. Inheritance: Autosomal dominant inheritance. Observed: 13 variant alleles, 13 heterozygotes.
Comment: This missense variant replaces alanine with valine at codon 1475 of the MYH11 protein. Computational prediction is inconclusive regarding the impact of this variant on protein structure and function (internally defined REVEL score threshold 0.5 < inconclusive < 0.7, PMID: 27666373). Splice site prediction tools suggest that this variant may not impact RNA splicing. To our knowledge, functional studies have not been performed for this variant. This variant has not been reported in individuals affected with cardiovascular disorders in the literature. This variant has been identified in 11/251472 chromosomes in the general population by the Genome Aggregation Database (gnomAD). The available evidence is insufficient to determine the role of this variant in disease conclusively. Therefore, this variant is classified as a Variant of Uncertain Significance.

This study involves interpretation of variants in research participants for the purpose of population health screening. Participant phenotype was not available at the time of variant classification. Additional details can be found in publication PMID: 35346344, PMCID: PMC8962531

Blueprint Genetics
Classification: Uncertain significance. Last evaluated: 2023-07-13. Review status: criteria provided, single submitter. Criteria: ACMG Guidelines, 2015. Collection method: clinical testing. Allele origin: germline.

CHEO Genetics Diagnostic Laboratory, Children's Hospital of Eastern Ontario
Classification: Uncertain significance for Familial thoracic aortic aneurysm and aortic dissection. Last evaluated: 2023-04-28. Review status: criteria provided, single submitter. Criteria: ACMG Guidelines, 2015. Collection method: clinical testing. Allele origin: germline. Study: Canadian Open Genetics Repository.

Fulgent Genetics
Classification: Uncertain significance for Aortic aneurysm, familial thoracic 4; Visceral myopathy 2; Megacystis-microcolon-intestinal hypoperistalsis syndrome 2. Last evaluated: 2021-08-31. Review status: criteria provided, single submitter. Criteria: ACMG Guidelines, 2015. Collection method: clinical testing. Allele origin: unknown.

Mayo Clinic Laboratories, Mayo Clinic
Classification: Uncertain significance. Last evaluated: 2021-03-31. Review status: criteria provided, single submitter. Criteria: ACMG Guidelines, 2015. Collection method: clinical testing. Allele origin: germline.

Clinical Genetics DNA and cytogenetics Diagnostics Lab, Erasmus MC, Erasmus Medical Center
Classification: Uncertain significance. Review status: no assertion criteria provided. Collection method: clinical testing. Allele origin: germline. Affected: yes. Study: VKGL Data-share Consensus. Not counted in ClinVar's aggregate classification.

Genome Diagnostics Laboratory, Amsterdam University Medical Center
Classification: Uncertain significance. Review status: no assertion criteria provided. Collection method: clinical testing. Allele origin: germline. Affected: yes. Study: VKGL Data-share Consensus. Not counted in ClinVar's aggregate classification.

Literature cited by the submitters: PubMed 34498425 (cited by Labcorp Genetics (formerly Invitae), Labcorp and Ambry Genetics).

NM_002474.3(MYH11):c.4403C>T (p.Ala1468Val)

Genes: MYH11 (myosin heavy chain 11; minus strand), NDE1 (nudE neurodevelopment protein 1; plus strand). Cytogenetic location: 16p13.11.
Variant type: single nucleotide variant.
Coding change: c.4403C>T on transcript NM_002474.3 (MANE Select); coding-DNA position 4403, C replaced by T.
Protein change: p.Ala1468Val; replaces alanine 1468 with valine.
Molecular consequence: missense variant. On other transcripts: intron variant (2).
Genome position (GRCh38, 1-based): chr16:15,721,597, G>A on the plus strand (C>T on the coding strand, the complement: MYH11 is on the minus strand). VCF-style: chr16-15721597-G-A. GRCh37 (hg19) VCF-style: chr16-15815454-G-A.
Other names: p.A1468V:GCG>GTG; c.4424C>T, p.Ala1475Val (NM_001040113.2, NM_001040114.2); c.4403C>T, p.Ala1468Val (NM_022844.3); c.948-2594G>A (NM_001143979.2, NM_017668.3); short protein forms A1468V, A1475V.
Identifiers: ClinVar variation 201076 (VCV000201076.32), dbSNP rs370240337, ClinGen allele CA306571.
Genomic context (GRCh38, chr16:15,721,597, plus strand): 5'-AGGGACAGGGCCTTGGTTTCCTTCTCCCTGGCTTCTGCCTCAGCTCTGTCCCTCTCATCC[G>A]CGTATTTGGAAGAGATGTTTTTCTCCTCGGCTAACAACTACAACACAAGACCCAGAGGTG-3'
Protein context (NP_002465.1, residues 1458-1478): AEEKNISSKY[Ala1468Val]DERDRAEAEA